The following is an entry in ClinVar:

ClinVar aggregate classification (germline): Benign/Likely benign. Review status: criteria provided, multiple submitters, no conflicts (2 of 4 stars). 3 submissions from 3 submitters: Benign (1); Likely benign (2). Last evaluated 2025-10-26.

Conditions:
Hereditary cancer-predisposing syndrome. Also called: Neoplastic Syndromes, Hereditary; Hereditary Cancer Syndrome; Tumor predisposition; Hereditary neoplastic syndrome. Identifiers: Orphanet 140162, MedGen C0027672, MeSH D009386, MONDO:0015356.
Familial cancer of breast. Also called: BREAST CANCER, FAMILIAL; Hereditary breast cancer; hereditary breast carcinoma. Identifiers: Orphanet 227535, MedGen C0346153, MONDO:0016419, OMIM 114480. Disease mechanism: loss of function.
Ataxia-telangiectasia syndrome (AT). Also called: Ataxia-telangiectasia, complementation group E; Ataxia-telangiectasia, complementation group D; Ataxia telangiectasia (A-T); LOUIS-BAR SYNDROME; ATAXIA-TELANGIECTASIA, COMPLEMENTATION GROUP A; ATAXIA-TELANGIECTASIA, FRESNO VARIANT. Identifiers: Orphanet 100, MedGen C0004135, MONDO:0008840, OMIM 208900.

Submissions (3):

Labcorp Genetics (formerly Invitae), Labcorp
Classification: Likely benign for Ataxia-telangiectasia syndrome. Last evaluated: 2025-10-26. Review status: criteria provided, single submitter. Criteria: Invitae Variant Classification Sherloc (09022015). Collection method: clinical testing. Allele origin: germline.

Myriad Genetics, Inc.
Classification: Benign for Familial cancer of breast. Last evaluated: 2024-05-17. Review status: criteria provided, single submitter. Criteria: Myriad Autosomal Dominant, Autosomal Recessive and X-Linked Classification Criteria (2023). Collection method: clinical testing. Allele origin: unknown.
Comment: This variant is considered benign. This variant is a silent/synonymous amino acid change and it is not expected to impact splicing.

Ambry Genetics
Classification: Likely benign for Hereditary cancer-predisposing syndrome. Last evaluated: 2024-01-05. Review status: criteria provided, single submitter. Criteria: Ambry Variant Classification Scheme 2023. Collection method: clinical testing. Allele origin: germline.

NM_000051.4(ATM):c.4308C>T (p.His1436=)

Gene: ATM (ATM serine/threonine kinase; plus strand). Cytogenetic location: 11q22.3.
Variant type: single nucleotide variant.
Coding change: c.4308C>T on transcript NM_000051.4 (MANE Select); coding-DNA position 4308, C replaced by T.
Protein change: p.His1436=; no amino-acid change (histidine 1436 retained).
Molecular consequence: synonymous variant.
Genome position (GRCh38, 1-based): chr11:108,289,673, C>T. VCF-style: chr11-108289673-C-T. GRCh37 (hg19) VCF-style: chr11-108160400-C-T.
Other names: c.4308C>T, p.His1436= (NM_001351834.2).
Identifiers: ClinVar variation 795243 (VCV000795243.9), dbSNP rs1591662977, ClinGen allele CA476673895.